The following is an entry in ClinVar:

ClinVar aggregate classification (germline): Pathogenic/Likely pathogenic. Review status: criteria provided, multiple submitters, no conflicts (2 of 4 stars). 2 submissions from 2 submitters: Pathogenic (1); Likely pathogenic (1). Last evaluated 2024-04-09.

Conditions:
Retinal dystrophy. Also called: Inherited retinal dystrophy. Identifiers: Orphanet 71862, MedGen C0854723, MeSH D058499, MONDO:0019118, HP:0000556.

Submissions (2):

Labcorp Genetics (formerly Invitae), Labcorp
Classification: Pathogenic. Last evaluated: 2024-04-09. Review status: criteria provided, single submitter. Criteria: Invitae Variant Classification Sherloc (09022015). Collection method: clinical testing. Allele origin: germline.
Comment: This sequence change creates a premature translational stop signal (p.Glu269Cysfs*3) in the RP2 gene. It is expected to result in an absent or disrupted protein product. Loss-of-function variants in RP2 are known to be pathogenic (PMID: 11992260, 20625056). This variant is not present in population databases (gnomAD no frequency). This premature translational stop signal has been observed in individual(s) with RP2-related conditions (PMID: 16969763, 32875684). For these reasons, this variant has been classified as Pathogenic.

Dept Of Ophthalmology, Nagoya University
Classification: Likely pathogenic for Retinal dystrophy. Last evaluated: 2023-10-01. Review status: criteria provided, single submitter. Criteria: Submitter's publication. Collection method: research. Allele origin: germline. Affected: yes.

Literature cited by the submitters: PubMed 11992260 (cited by Labcorp Genetics (formerly Invitae), Labcorp); PubMed 20625056 (cited by Labcorp Genetics (formerly Invitae), Labcorp); PubMed 16969763 (cited by Labcorp Genetics (formerly Invitae), Labcorp); PubMed 32875684 (cited by Labcorp Genetics (formerly Invitae), Labcorp).

NM_006915.3(RP2):c.801_804del (p.Glu269fs)

Gene: RP2 (RP2 activator of ARL3 GTPase; plus strand). Cytogenetic location: Xp11.3.
Variant type: Deletion.
Coding change: c.801_804del on transcript NM_006915.3 (MANE Select); coding-DNA positions 801 to 804, 4 bases deleted (AAAG; older notation c.801_804delAAAG).
Protein change: p.Glu269fs; shifts the reading frame from glutamic acid 269.
Molecular consequence: frameshift variant.
Genome position (GRCh38, 1-based): chrX:46,860,020-46,860,023, AAAG deleted. VCF-style (leftmost placement, unchanged base first): chrX-46860019-CAAAG-C. GRCh37 (hg19) VCF-style: chrX-46719454-CAAAG-C.
Other names: c.801_804delAAAG (NM_006915.3); short protein forms E269fs.
Identifiers: ClinVar variation 3028613 (VCV003028613.3), dbSNP rs2519918577, ClinGen allele CA2695233544.